The following is an entry in ClinVar:

ClinVar aggregate classification (germline): Uncertain significance (1 of 4 stars; one submission).

Conditions:
Inborn genetic diseases. Identifiers: MedGen C0950123, MeSH D030342.

gnomAD v4.1: 9 of 1,580,506 alleles (0.00057%); highest among the groups gnomAD compares: Middle Eastern, 0.13%; no homozygotes.

Submission:

Ambry Genetics
Classification: Uncertain significance for Inborn genetic diseases. Last evaluated: 2025-01-11. Review status: criteria provided, single submitter. Criteria: Ambry Variant Classification Scheme 2023. Collection method: clinical testing. Allele origin: germline.
Comment: The p.P23R variant (also known as c.68C>G), located in coding exon 1 of the SH2B3 gene, results from a C to G substitution at nucleotide position 68. The proline at codon 23 is replaced by arginine, an amino acid with dissimilar properties. This amino acid position is conserved. In addition, this alteration is predicted to be tolerated by in silico analysis. Based on the available evidence, the clinical significance of this variant remains unclear.

NM_005475.3(SH2B3):c.68C>G (p.Pro23Arg)

Gene: SH2B3 (SH2B adaptor protein 3; plus strand). Cytogenetic location: 12q24.12.
Variant type: single nucleotide variant.
Coding change: c.68C>G on transcript NM_005475.3 (MANE Select); coding-DNA position 68, C replaced by G.
Protein change: p.Pro23Arg; replaces proline 23 with arginine.
Molecular consequence: missense variant.
Genome position (GRCh38, 1-based): chr12:111,418,213, C>G. VCF-style: chr12-111418213-C-G. GRCh37 (hg19) VCF-style: chr12-111856017-C-G.
Other names: short protein forms P23R.
Identifiers: ClinVar variation 3795099 (VCV003795099.1).